The following is an entry in ClinVar:

NM_030665.4(RAI1):c.1579C>T (p.Arg527Cys)

Gene: RAI1 (retinoic acid induced 1; plus strand). Cytogenetic location: 17p11.2.
Variant type: single nucleotide variant.
Coding change: c.1579C>T on transcript NM_030665.4 (MANE Select); coding-DNA position 1579, C replaced by T.
Protein change: p.Arg527Cys; replaces arginine 527 with cysteine.
Molecular consequence: missense variant.
Genome position (GRCh38, 1-based): chr17:17,794,527, C>T. VCF-style: chr17-17794527-C-T. GRCh37 (hg19) VCF-style: chr17-17697841-C-T.
Other names: c.1579C>T (NM_030665.3); short protein forms R527C.
Identifiers: ClinVar variation 2159002 (VCV002159002.6), dbSNP rs769601755, ClinGen allele CA8418363.

ClinVar aggregate classification (germline): Uncertain significance. Review status: criteria provided, single submitter (1 of 4 stars). 2 submissions from 2 submitters: Uncertain significance (1). 1 of the submissions does not count toward it. Last evaluated 2024-10-23.

Conditions:
RAI1-related disorder. Also called: RAI1-related condition.

Allele frequency attached by ClinVar (database versions not stated): TOPMed 0.00003.
gnomAD v4.1: 15 of 1,612,768 alleles (0.00093%); highest among the groups gnomAD compares: Admixed American, 0.0033%; no homozygotes.

Submissions (2):

Labcorp Genetics (formerly Invitae), Labcorp
Classification: Uncertain significance. Last evaluated: 2024-10-23. Review status: criteria provided, single submitter. Criteria: Invitae Variant Classification Sherloc (09022015). Collection method: clinical testing. Allele origin: germline.
Comment: This sequence change replaces arginine, which is basic and polar, with cysteine, which is neutral and slightly polar, at codon 527 of the RAI1 protein (p.Arg527Cys). This variant is present in population databases (rs769601755, gnomAD 0.006%). This variant has not been reported in the literature in individuals affected with RAI1-related conditions. ClinVar contains an entry for this variant (Variation ID: 2159002). Invitae Evidence Modeling of protein sequence and biophysical properties (such as structural, functional, and spatial information, amino acid conservation, physicochemical variation, residue mobility, and thermodynamic stability) indicates that this missense variant is expected to disrupt RAI1 protein function with a positive predictive value of 80%. In summary, the available evidence is currently insufficient to determine the role of this variant in disease. Therefore, it has been classified as a Variant of Uncertain Significance.

PreventionGenetics, part of Exact Sciences
Classification: Uncertain significance for RAI1-related condition. Last evaluated: 2024-05-09. Review status: no assertion criteria provided. Collection method: clinical testing. Allele origin: germline. Not counted in ClinVar's aggregate classification.
Comment: The RAI1 c.1579C>T variant is predicted to result in the amino acid substitution p.Arg527Cys. To our knowledge, this variant has not been reported in the literature. This variant is reported in 0.0058% of alleles in individuals of Latino descent in gnomAD. Although we suspect that this variant may be benign, at this time, the clinical significance of this variant is uncertain due to the absence of conclusive functional and genetic evidence.